The following is an entry in ClinVar:

ClinVar aggregate classification (germline): Uncertain significance. Review status: criteria provided, multiple submitters, no conflicts (2 of 4 stars). 3 submissions from 3 submitters: Uncertain significance (3). Last evaluated 2025-08-19.

Conditions:
Hereditary cancer-predisposing syndrome. Also called: Neoplastic Syndromes, Hereditary; Tumor predisposition; Hereditary Cancer Syndrome; Hereditary neoplastic syndrome. Identifiers: Orphanet 140162, MedGen C0027672, MeSH D009386, MONDO:0015356.
Pheochromocytoma/paraganglioma syndrome 3. Also called: GLOMUS TUMORS, FAMILIAL, 3; Paragangliomas 3; SDHC-Related Hereditary Paraganglioma-Pheochromocytoma Syndrome (Paragangliomas 3); SDHC-Related Hereditary Paraganglioma-Pheochromocytoma Syndrome. Identifiers: Orphanet 29072, MedGen C1854336, MONDO:0011544, OMIM 605373.
Gastrointestinal stromal tumor. Also called: Gastrointestinal stromal tumor, somatic; Gastrointestinal stroma tumor. Identifiers: Orphanet 44890, MedGen C0238198, MeSH D046152, MONDO:0011719, OMIM 606764, HP:0100723.
Hereditary pheochromocytoma and paraganglioma. Also called: Hereditary pheochromocytoma-paraganglioma; Hereditary Paraganglioma-Pheochromocytoma Syndromes; Hereditary paragangliomas and pheochromocytomas. Identifiers: Orphanet 29072, MedGen C4274332, MONDO:0017366.

Submissions (3):

Ambry Genetics
Classification: Uncertain significance for Hereditary cancer-predisposing syndrome. Last evaluated: 2025-08-19. Review status: criteria provided, single submitter. Criteria: Ambry Variant Classification Scheme 2023. Collection method: clinical testing. Allele origin: germline.
Comment: The p.S151Y variant (also known as c.452C>A), located in coding exon 6 of the SDHC gene, results from a C to A substitution at nucleotide position 452. The serine at codon 151 is replaced by tyrosine, an amino acid with dissimilar properties. This amino acid position is highly conserved in available vertebrate species. In addition, this alteration is predicted to be deleterious by in silico analysis. Based on the available evidence, the clinical significance of this variant remains unclear.

All of Us Research Program, National Institutes of Health
Classification: Uncertain significance for Hereditary pheochromocytoma and paraganglioma. Last evaluated: 2023-11-30. Review status: criteria provided, single submitter. Criteria: ACMG Guidelines, 2015. Collection method: clinical testing. Allele origin: germline. Inheritance: Autosomal dominant inheritance. Observed: 1 variant allele, 1 heterozygote.
Comment: This study involves interpretation of variants in research participants for the purpose of population health screening. Participant phenotype was not available at the time of variant classification. Additional details can be found in publication PMID: 35346344, PMCID: PMC8962531

Labcorp Genetics (formerly Invitae), Labcorp
Classification: Uncertain significance for Pheochromocytoma/paraganglioma syndrome 3; Gastrointestinal stromal tumor. Last evaluated: 2022-09-07. Review status: criteria provided, single submitter. Criteria: Invitae Variant Classification Sherloc (09022015). Collection method: clinical testing. Allele origin: germline.
Comment: In summary, the available evidence is currently insufficient to determine the role of this variant in disease. Therefore, it has been classified as a Variant of Uncertain Significance. Algorithms developed to predict the effect of missense changes on protein structure and function are either unavailable or do not agree on the potential impact of this missense change (SIFT: "Deleterious"; PolyPhen-2: "Probably Damaging"; Align-GVGD: "Class C0"). ClinVar contains an entry for this variant (Variation ID: 824974). This missense change has been observed in individual(s) with paraganglioma (Invitae). This variant is not present in population databases (gnomAD no frequency). This sequence change replaces serine, which is neutral and polar, with tyrosine, which is neutral and polar, at codon 151 of the SDHC protein (p.Ser151Tyr).

NM_003001.5(SDHC):c.452C>A (p.Ser151Tyr)

Gene: SDHC (succinate dehydrogenase complex subunit C; plus strand). Cytogenetic location: 1q23.3.
Variant type: single nucleotide variant.
Coding change: c.452C>A on transcript NM_003001.5 (MANE Select); coding-DNA position 452, C replaced by A.
Protein change: p.Ser151Tyr; replaces serine 151 with tyrosine.
Molecular consequence: missense variant. On other transcripts: synonymous variant (3), non-coding transcript variant (1).
Genome position (GRCh38, 1-based): chr1:161,362,375, C>A. VCF-style: chr1-161362375-C-A. GRCh37 (hg19) VCF-style: chr1-161332165-C-A.
Other names: c.288C>A, p.Val96= (NM_001035511.3); c.350C>A, p.Ser117Tyr (NM_001035512.3); c.293C>A, p.Ser98Tyr (NM_001035513.3); c.186C>A, p.Val62= (NM_001278172.3); c.572C>A, p.Ser191Tyr (NM_001407115.1); c.395C>A, p.Ser132Tyr (NM_001407116.1); c.389C>A, p.Ser130Tyr (NM_001407117.1); c.344C>A, p.Ser115Tyr (NM_001407118.1); and 2 more; short protein forms S151Y, S98Y, S117Y, S114Y, S132Y, S191Y, S130Y, S115Y.
Identifiers: ClinVar variation 824974 (VCV000824974.15), dbSNP rs1571899020, ClinGen allele CA343457759.
Genomic context (GRCh38, chr1:161,362,375, plus strand): 5'-TGCTTTGTCCACAGATGTGGGACCTAGGAAAAGGCCTGAAGATTCCCCAGCTATACCAGT[C>A]TGGAGTGGTTGTCCTGGTTCTTACTGTGTTGTCCTCTATGGGGCTGGCAGCCATGTGAAG-3'
Protein context (NP_002992.1, residues 141-161): KGLKIPQLYQ[Ser151Tyr]GVVVLVLTVL